The following is an entry in ClinVar:

ClinVar aggregate classification (germline): Uncertain significance (1 of 4 stars; one submission).

Conditions:
Specific granule deficiency. Identifiers: Orphanet 169142, MedGen C0398593, MONDO:0009506.

Submission:

Labcorp Genetics (formerly Invitae), Labcorp
Classification: Uncertain significance for Specific granule deficiency. Last evaluated: 2022-06-02. Review status: criteria provided, single submitter. Criteria: Invitae Variant Classification Sherloc (09022015). Collection method: clinical testing. Allele origin: germline.
Comment: In summary, the available evidence is currently insufficient to determine the role of this variant in disease. Therefore, it has been classified as a Variant of Uncertain Significance. Algorithms developed to predict the effect of missense changes on protein structure and function are either unavailable or do not agree on the potential impact of this missense change (SIFT: "Tolerated"; PolyPhen-2: "Probably Damaging"; Align-GVGD: "Class C0"). This variant has not been reported in the literature in individuals affected with CEBPE-related conditions. This variant is not present in population databases (gnomAD no frequency). This sequence change replaces tyrosine, which is neutral and polar, with cysteine, which is neutral and slightly polar, at codon 7 of the CEBPE protein (p.Tyr7Cys).

NM_001805.4(CEBPE):c.20A>G (p.Tyr7Cys)

Gene: CEBPE (CCAAT enhancer binding protein epsilon; minus strand). Cytogenetic location: 14q11.2.
Variant type: single nucleotide variant.
Coding change: c.20A>G on transcript NM_001805.4 (MANE Select); coding-DNA position 20, A replaced by G.
Protein change: p.Tyr7Cys; replaces tyrosine 7 with cysteine.
Molecular consequence: missense variant.
Genome position (GRCh38, 1-based): chr14:23,119,072, T>C on the plus strand (A>G on the coding strand, the complement: CEBPE is on the minus strand). VCF-style: chr14-23119072-T-C. GRCh37 (hg19) VCF-style: chr14-23588281-T-C.
Other names: short protein forms Y7C.
Identifiers: ClinVar variation 2189631 (VCV002189631.4), dbSNP rs2501821392, ClinGen allele CA388954332.